The following is an entry in ClinVar:

ClinVar aggregate classification (germline): Uncertain significance. Review status: criteria provided, multiple submitters, no conflicts (2 of 4 stars). 2 submissions from 2 submitters: Uncertain significance (2). Last evaluated 2025-01-13.

Conditions:
Vici syndrome (VICIS). Identifiers: Orphanet 1493, MedGen C1855772, MONDO:0009452, OMIM 242840.

Allele frequency attached by ClinVar (database versions not stated): TOPMed 0.00002.
gnomAD v4.1: 4 of 1,613,988 alleles (0.00025%); highest among the groups gnomAD compares: African/African-American, 0.0053%; no homozygotes.

Submissions (2):

Labcorp Genetics (formerly Invitae), Labcorp
Classification: Uncertain significance for Vici syndrome. Last evaluated: 2025-01-13. Review status: criteria provided, single submitter. Criteria: Invitae Variant Classification Sherloc (09022015). Collection method: clinical testing. Allele origin: germline.
Comment: This sequence change replaces glycine, which is neutral and non-polar, with valine, which is neutral and non-polar, at codon 2508 of the EPG5 protein (p.Gly2508Val). This variant is present in population databases (rs751623844, gnomAD 0.007%). This variant has not been reported in the literature in individuals affected with EPG5-related conditions. ClinVar contains an entry for this variant (Variation ID: 958910). Invitae Evidence Modeling of protein sequence and biophysical properties (such as structural, functional, and spatial information, amino acid conservation, physicochemical variation, residue mobility, and thermodynamic stability) indicates that this missense variant is expected to disrupt EPG5 protein function with a positive predictive value of 80%. In summary, the available evidence is currently insufficient to determine the role of this variant in disease. Therefore, it has been classified as a Variant of Uncertain Significance.

Revvity Omics, Revvity
Classification: Uncertain significance for Vici syndrome. Last evaluated: 2022-03-21. Review status: criteria provided, single submitter. Criteria: ACMG Guidelines, 2015. Collection method: clinical testing. Allele origin: germline.

NM_020964.3(EPG5):c.7523G>T (p.Gly2508Val)

Gene: EPG5 (ectopic P-granules 5 autophagy tethering factor; minus strand). Cytogenetic location: 18q12.3.
Variant type: single nucleotide variant.
Coding change: c.7523G>T on transcript NM_020964.3 (MANE Select); coding-DNA position 7523, G replaced by T.
Protein change: p.Gly2508Val; replaces glycine 2508 with valine.
Molecular consequence: missense variant.
Genome position (GRCh38, 1-based): chr18:45,855,607, C>A on the plus strand (G>T on the coding strand, the complement: EPG5 is on the minus strand). VCF-style: chr18-45855607-C-A. GRCh37 (hg19) VCF-style: chr18-43435572-C-A.
Other names: short protein forms G2508V.
Identifiers: ClinVar variation 958910 (VCV000958910.11), dbSNP rs751623844, ClinGen allele CA8947974.